The following is an entry in ClinVar:

ClinVar aggregate classification (germline): Pathogenic (1 of 4 stars; one submission).

Conditions:
Kartagener syndrome (CILD1). Also called: CILIARY DYSKINESIA, PRIMARY, 1; CILIARY DYSKINESIA, PRIMARY, 1, WITH OR WITHOUT SITUS INVERSUS; IMMOTILE CILIA SYNDROME; POLYNESIAN BRONCHIECTASIS; Dextrocardia bronchiectasis and sinusitis; SIEWERT SYNDROME. Identifiers: Orphanet 244, MedGen C4551906, MONDO:0009484, OMIM 244400.

Submission:

Myriad Genetics, Inc.
Classification: Pathogenic for Kartagener syndrome. Last evaluated: 2025-02-07. Review status: criteria provided, single submitter. Criteria: Myriad Autosomal Dominant, Autosomal Recessive and X-Linked Classification Criteria (2023). Collection method: clinical testing. Allele origin: unknown.
Comment: NM_012144.2(DNAI1):c.10_13delGCTT(A4Lfs*16) is expected to be pathogenic in the context of primary ciliary dyskinesia, DNAI1-related. This variant is predicted to lead to an abnormal or absent protein product due to the creation of a premature termination codon in DNAI1, a gene where loss-of-function variants are known to be pathogenic. Please note: this variant was assessed in the context of healthy population screening.

NM_012144.4(DNAI1):c.10_13del (p.Ala4fs)

Gene: DNAI1 (dynein axonemal intermediate chain 1; plus strand). Cytogenetic location: 9p13.3.
Variant type: Deletion.
Coding change: c.10_13del on transcript NM_012144.4 (MANE Select); coding-DNA positions 10 to 13, 4 bases deleted (GCTT; older notation c.10_13delGCTT).
Protein change: p.Ala4fs; shifts the reading frame from alanine 4.
Molecular consequence: frameshift variant.
Genome position (GRCh38, 1-based): chr9:34,459,015-34,459,018, GCTT deleted; deleting any 4 consecutive bases within chr9:34,459,014-34,459,018 gives the same sequence; the c. name uses the placement nearest the transcript's 3' end. VCF-style (leftmost placement, unchanged base first): chr9-34459013-CTGCT-C. GRCh37 (hg19) VCF-style: chr9-34459011-CTGCT-C.
Other names: c.10_13del, p.Ala4fs (NM_001281428.2); short protein forms A4fs.
Identifiers: ClinVar variation 5014067 (VCV005014067.1).
Genomic context (GRCh38, chr9:34,459,013, plus strand): 5'-AAACTTTTTGTCTTCAGACGAGGGAGCGTTTTGTAGGCTCTCCAGGGGTTGAGATGATTC[CTGCT>C]TCTGCGAAGGCTCCCCATAAACAGCCTCATAAGCAGGTAACGTACGCACACCTTCCTTCT-3'